The following is an entry in ClinVar:

ClinVar aggregate classification (germline): Uncertain significance (1 of 4 stars; one submission).

Submission:

Ambry Genetics
Classification: Uncertain significance. Last evaluated: 2024-05-28. Review status: criteria provided, single submitter. Criteria: Ambry Variant Classification Scheme 2023. Collection method: clinical testing. Allele origin: germline.
Comment: The p.E382V variant (also known as c.1145A>T), located in coding exon 9 of the RINT1 gene, results from an A to T substitution at nucleotide position 1145. The glutamic acid at codon 382 is replaced by valine, an amino acid with dissimilar properties. This amino acid position is conserved. In addition, the in silico prediction for this alteration is inconclusive. Based on the available evidence, the clinical significance of this variant remains unclear.

NM_021930.6(RINT1):c.1145A>T (p.Glu382Val)

Gene: RINT1 (RAD50 interactor 1; plus strand). Cytogenetic location: 7q22.3.
Variant type: single nucleotide variant.
Coding change: c.1145A>T on transcript NM_021930.6 (MANE Select); coding-DNA position 1145, A replaced by T.
Protein change: p.Glu382Val; replaces glutamic acid 382 with valine.
Molecular consequence: missense variant. On other transcripts: non-coding transcript variant (1).
Genome position (GRCh38, 1-based): chr7:105,550,298, A>T. VCF-style: chr7-105550298-A-T. GRCh37 (hg19) VCF-style: chr7-105190745-A-T.
Other names: c.911A>T, p.Glu304Val (NM_001346599.2); c.122A>T, p.Glu41Val (NM_001346600.2, NM_001346603.2); c.221A>T, p.Glu74Val (NM_001346601.2); short protein forms E304V, E382V, E41V, E74V.
Identifiers: ClinVar variation 3314419 (VCV003314419.1).